The following is an entry in ClinVar:

ClinVar aggregate classification (germline): Uncertain significance. Review status: criteria provided, multiple submitters, no conflicts (2 of 4 stars). 3 submissions from 3 submitters: Uncertain significance (3). Last evaluated 2025-04-27.

Conditions:
Inborn genetic diseases. Identifiers: MedGen C0950123, MeSH D030342.
Desbuquois dysplasia 1 (DBQD1). Also called: MICROMELIC DWARFISM WITH VERTEBRAL AND METAPHYSEAL ABNORMALITIES AND ADVANCED CARPOTARSAL OSSIFICATION; DESBUQUOIS DYSPLASIA 1, KIM VARIANT. Identifiers: Orphanet 1425, MedGen C4012146, MONDO:0009629, OMIM 251450.

Allele frequency attached by ClinVar (database versions not stated): gnomAD exomes 0.00001.

Submissions (3):

GeneDx
Classification: Uncertain significance. Last evaluated: 2025-04-27. Review status: criteria provided, single submitter. Criteria: GeneDx Variant Classification Process June 2021. Collection method: clinical testing. Allele origin: germline. Affected: yes.
Comment: In silico analysis indicates that this missense variant does not alter protein structure/function; Has not been previously published as pathogenic or benign to our knowledge

Labcorp Genetics (formerly Invitae), Labcorp
Classification: Uncertain significance for Desbuquois dysplasia 1. Last evaluated: 2024-01-15. Review status: criteria provided, single submitter. Criteria: Invitae Variant Classification Sherloc (09022015). Collection method: clinical testing. Allele origin: germline.
Comment: This sequence change replaces valine, which is neutral and non-polar, with alanine, which is neutral and non-polar, at codon 51 of the XYLT1 protein (p.Val51Ala). The frequency data for this variant in the population databases is considered unreliable, as metrics indicate poor data quality at this position in the gnomAD database. This variant has not been reported in the literature in individuals affected with XYLT1-related conditions. ClinVar contains an entry for this variant (Variation ID: 1060334). Algorithms developed to predict the effect of missense changes on protein structure and function output the following: SIFT: "Not Available"; PolyPhen-2: "Not Available"; Align-GVGD: "Not Available". The alanine amino acid residue is found in multiple mammalian species, which suggests that this missense change does not adversely affect protein function. In summary, the available evidence is currently insufficient to determine the role of this variant in disease. Therefore, it has been classified as a Variant of Uncertain Significance.

Ambry Genetics
Classification: Uncertain significance for Inborn genetic diseases. Last evaluated: 2022-06-29. Review status: criteria provided, single submitter. Criteria: Ambry Variant Classification Scheme 2023. Collection method: clinical testing. Allele origin: germline.

NM_022166.4(XYLT1):c.152T>C (p.Val51Ala)

Gene: XYLT1 (xylosyltransferase 1; minus strand). Cytogenetic location: 16p12.3.
Variant type: single nucleotide variant.
Coding change: c.152T>C on transcript NM_022166.4 (MANE Select); coding-DNA position 152, T replaced by C.
Protein change: p.Val51Ala; replaces valine 51 with alanine.
Molecular consequence: missense variant.
Genome position (GRCh38, 1-based): chr16:17,470,645, A>G on the plus strand (T>C on the coding strand, the complement: XYLT1 is on the minus strand). VCF-style: chr16-17470645-A-G. GRCh37 (hg19) VCF-style: chr16-17564502-A-G.
Other names: c.152T>C (NM_022166.3); short protein forms V51A.
Identifiers: ClinVar variation 1060334 (VCV001060334.11), dbSNP rs865812042, ClinGen allele CA279106533.